The following is an entry in ClinVar:

ClinVar aggregate classification (germline): Uncertain significance (1 of 4 stars; one submission).

Conditions:
Duchenne muscular dystrophy (DMD). Also called: MUSCULAR DYSTROPHY, PSEUDOHYPERTROPHIC PROGRESSIVE, DUCHENNE TYPE; Duchenne Muscular Dystrophy (DMD). Identifiers: Orphanet 98896, MedGen C0013264, MONDO:0010679, OMIM 310200.

Submission:

Labcorp Genetics (formerly Invitae), Labcorp
Classification: Uncertain significance for Duchenne muscular dystrophy. Last evaluated: 2025-12-10. Review status: criteria provided, single submitter. Criteria: Invitae Variant Classification Sherloc (09022015). Collection method: clinical testing. Allele origin: germline.
Comment: This sequence change falls in intron 6 of the DMD gene. It does not directly change the encoded amino acid sequence of the DMD protein. It affects a nucleotide within the consensus splice site. This variant is not present in population databases (gnomAD no frequency). This variant has not been reported in the literature in individuals affected with DMD-related conditions. Variants that disrupt the consensus splice site are a relatively common cause of aberrant splicing (PMID: 17576681, 9536098). Algorithms developed to predict the effect of sequence changes on RNA splicing suggest that this variant is not likely to affect RNA splicing. In summary, the available evidence is currently insufficient to determine the role of this variant in disease. Therefore, it has been classified as a Variant of Uncertain Significance.

Literature cited by the submitters: PubMed 17576681; PubMed 9536098.

NM_004006.3(DMD):c.531-3T>A

Gene: DMD (dystrophin; minus strand). Cytogenetic location: Xp21.1.
Variant type: single nucleotide variant.
Coding change: c.531-3T>A on transcript NM_004006.3 (MANE Select); 3 bases into the intron before coding-DNA position 531, T replaced by A.
Molecular consequence: intron variant.
Genome position (GRCh38, 1-based): chrX:32,809,614, A>T on the plus strand (T>A on the coding strand, the complement: DMD is on the minus strand). VCF-style: chrX-32809614-A-T. GRCh37 (hg19) VCF-style: chrX-32827731-A-T.
Other names: c.507-3T>A (NM_000109.4); c.519-3T>A (NM_004009.3); c.162-3T>A (NM_004010.3).
Identifiers: ClinVar variation 4732949 (VCV004732949.1).